The following is an entry in ClinVar:

ClinVar aggregate classification (germline): Uncertain significance. Review status: criteria provided, multiple submitters, no conflicts (2 of 4 stars). 2 submissions from 2 submitters: Uncertain significance (2). Last evaluated 2021-10-20.

Conditions:
Autoimmune lymphoproliferative syndrome type 1. Also called: AUTOIMMUNE LYMPHOPROLIFERATIVE SYNDROME, TYPE I, AUTOSOMAL DOMINANT. Identifiers: Orphanet 3261, MedGen C2717884, MONDO:0011158, OMIM 601859.
Inborn genetic diseases. Identifiers: MedGen C0950123, MeSH D030342.

Allele frequency attached by ClinVar (database versions not stated): gnomAD 0.00001; TOPMed 0.00002; ESP Exome Variant Server 0.00008; gnomAD exomes below 0.00001; ExAC 0.00001.
gnomAD v4.1: 2 of 1,613,886 alleles (0.00012%); highest among the groups gnomAD compares: African/African-American, 0.0027%; no homozygotes.

Submissions (2):

Ambry Genetics
Classification: Uncertain significance for Inborn genetic diseases. Last evaluated: 2021-10-20. Review status: criteria provided, single submitter. Criteria: Ambry Variant Classification Scheme 2023. Collection method: clinical testing. Allele origin: germline.

Labcorp Genetics (formerly Invitae), Labcorp
Classification: Uncertain significance for Autoimmune lymphoproliferative syndrome. Last evaluated: 2020-10-09. Review status: criteria provided, single submitter. Criteria: Invitae Variant Classification Sherloc (09022015). Collection method: clinical testing. Allele origin: germline.
Comment: This variant has not been reported in the literature in individuals with FAS-related conditions. Algorithms developed to predict the effect of missense changes on protein structure and function are either unavailable or do not agree on the potential impact of this missense change (SIFT: "Not Available"; PolyPhen-2: "Benign"; Align-GVGD: "Not Available"). In summary, the available evidence is currently insufficient to determine the role of this variant in disease. Therefore, it has been classified as a Variant of Uncertain Significance. This variant is present in population databases (rs372866793, ExAC 0.01%). This sequence change replaces cysteine with tyrosine at codon 178 of the FAS protein (p.Cys178Tyr). The cysteine residue is weakly conserved and there is a large physicochemical difference between cysteine and tyrosine.

NM_000043.6(FAS):c.533G>A (p.Cys178Tyr)

Gene: FAS (Fas cell surface death receptor; plus strand). Cytogenetic location: 10q23.31.
Variant type: single nucleotide variant.
Coding change: c.533G>A on transcript NM_000043.6 (MANE Select); coding-DNA position 533, G replaced by A.
Protein change: p.Cys178Tyr; replaces cysteine 178 with tyrosine.
Molecular consequence: missense variant. On other transcripts: non-coding transcript variant (5), intron variant (1).
Genome position (GRCh38, 1-based): chr10:89,010,780, G>A. VCF-style: chr10-89010780-G-A. GRCh37 (hg19) VCF-style: chr10-90770537-G-A.
Other names: c.533G>A, p.Cys178Tyr (NM_001320619.2, NM_152872.4); c.505+180G>A (NM_152871.4); c.533G>A (NM_000043.4); short protein forms C178Y.
Identifiers: ClinVar variation 1023699 (VCV001023699.9), dbSNP rs372866793, ClinGen allele CA5593150.